The following is an entry in ClinVar:

NM_001102564.3(IFT43):c.311C>T (p.Pro104Leu)

Gene: IFT43 (intraflagellar transport 43; plus strand). Cytogenetic location: 14q24.3.
Variant type: single nucleotide variant.
Coding change: c.311C>T on transcript NM_001102564.3 (MANE Select); coding-DNA position 311, C replaced by T.
Protein change: p.Pro104Leu; replaces proline 104 with leucine.
Molecular consequence: missense variant. On other transcripts: non-coding transcript variant (2).
Genome position (GRCh38, 1-based): chr14:76,082,310, C>T. VCF-style: chr14-76082310-C-T. GRCh37 (hg19) VCF-style: chr14-76548653-C-T.
Other names: c.326C>T, p.Pro109Leu (NM_052873.3); short protein forms P104L, P109L.
Identifiers: ClinVar variation 852117 (VCV000852117.9), dbSNP rs144547737, ClinGen allele CA7280837.

ClinVar aggregate classification (germline): Uncertain significance. Review status: criteria provided, multiple submitters, no conflicts (2 of 4 stars). 3 submissions from 3 submitters: Uncertain significance (3). Last evaluated 2025-12-11.

Conditions:
Short-rib thoracic dysplasia 18 with polydactyly. Identifiers: MedGen C4693420, MONDO:0036483, OMIM 617866.
Retinitis pigmentosa 81 (RP81). Identifiers: MedGen C4693443, MONDO:0036482, OMIM 617871.
Cranioectodermal dysplasia 3 (CED3). Identifiers: Orphanet 1515, MedGen C3279807, MONDO:0013573, OMIM 614099.

Allele frequency attached by ClinVar (database versions not stated): gnomAD 0.00001 and 0.00002; gnomAD exomes 0.00001 and 0.00002; ExAC 0.00002; TOPMed 0.00008; 1000 Genomes Project 30x 0.00016; 1000 Genomes Project 0.00020.
gnomAD v4.1: 32 of 1,614,038 alleles (0.002%); highest among the groups gnomAD compares: Admixed American, 0.0033%; no homozygotes.

Submissions (3):

Ambry Genetics
Classification: Uncertain significance. Last evaluated: 2025-12-11. Review status: criteria provided, single submitter. Criteria: Ambry Variant Classification Scheme 2023. Collection method: clinical testing. Allele origin: germline.

Fulgent Genetics
Classification: Uncertain significance for Cranioectodermal dysplasia 3; Short-rib thoracic dysplasia 18 with polydactyly; Retinitis pigmentosa 81. Last evaluated: 2024-02-28. Review status: criteria provided, single submitter. Criteria: ACMG Guidelines, 2015. Collection method: clinical testing. Allele origin: germline.

Labcorp Genetics (formerly Invitae), Labcorp
Classification: Uncertain significance. Last evaluated: 2022-08-05. Review status: criteria provided, single submitter. Criteria: Invitae Variant Classification Sherloc (09022015). Collection method: clinical testing. Allele origin: germline.
Comment: This sequence change replaces proline, which is neutral and non-polar, with leucine, which is neutral and non-polar, at codon 109 of the IFT43 protein (p.Pro109Leu). This variant is present in population databases (rs144547737, gnomAD 0.007%). This variant has not been reported in the literature in individuals affected with IFT43-related conditions. ClinVar contains an entry for this variant (Variation ID: 852117). Algorithms developed to predict the effect of missense changes on protein structure and function (SIFT, PolyPhen-2, Align-GVGD) all suggest that this variant is likely to be disruptive. In summary, the available evidence is currently insufficient to determine the role of this variant in disease. Therefore, it has been classified as a Variant of Uncertain Significance.